The following is an entry in ClinVar:

NM_001273.5(CHD4):c.1481C>T (p.Thr494Met)

Gene: CHD4 (chromodomain helicase DNA binding protein 4; minus strand). Cytogenetic location: 12p13.31.
Variant type: single nucleotide variant.
Coding change: c.1481C>T on transcript NM_001273.5 (MANE Select); coding-DNA position 1481, C replaced by T.
Protein change: p.Thr494Met; replaces threonine 494 with methionine.
Molecular consequence: missense variant.
Genome position (GRCh38, 1-based): chr12:6,599,774, G>A on the plus strand (C>T on the coding strand, the complement: CHD4 is on the minus strand). VCF-style: chr12-6599774-G-A. GRCh37 (hg19) VCF-style: chr12-6708940-G-A.
Other names: c.1460C>T, p.Thr487Met (NM_001297553.2); c.1442C>T, p.Thr481Met (NM_001363606.2); short protein forms T481M, T487M, T494M.
Identifiers: ClinVar variation 982179 (VCV000982179.4), dbSNP rs375234607, ClinGen allele CA232398721.

ClinVar aggregate classification (germline): Uncertain significance. Review status: criteria provided, single submitter (1 of 4 stars). 2 submissions from 2 submitters: Uncertain significance (1). 1 of the submissions does not count toward it. Last evaluated 2023-05-23.

Conditions:
Moyamoya angiopathy with developmental delay.

Allele frequency attached by ClinVar (database versions not stated): gnomAD 0.00001 and 0.00002; TOPMed 0.00002; ESP Exome Variant Server 0.00008.

Submissions (2):

Labcorp Genetics (formerly Invitae), Labcorp
Classification: Uncertain significance. Last evaluated: 2023-05-23. Review status: criteria provided, single submitter. Criteria: Invitae Variant Classification Sherloc (09022015). Collection method: clinical testing. Allele origin: germline.
Comment: In summary, the available evidence is currently insufficient to determine the role of this variant in disease. Therefore, it has been classified as a Variant of Uncertain Significance. An algorithm developed to predict the effect of missense changes on protein structure and function (PolyPhen-2) suggests that this variant is likely to be disruptive. ClinVar contains an entry for this variant (Variation ID: 982179). This sequence change replaces threonine, which is neutral and polar, with methionine, which is neutral and non-polar, at codon 494 of the CHD4 protein (p.Thr494Met). This variant is present in population databases (rs375234607, gnomAD 0.01%). This variant has not been reported in the literature in individuals affected with CHD4-related conditions.

University of Washington Center for Mendelian Genomics, University of Washington
Classification: Likely pathogenic for Moyamoya angiopathy with developmental delay. Review status: no assertion criteria provided. Collection method: research. Allele origin: inherited. Affected: yes. Not counted in ClinVar's aggregate classification.

Literature cited by the submitters: PubMed 31474762 (cited by University of Washington Center for Mendelian Genomics, University of Washington).